The following is an entry in ClinVar:

ClinVar aggregate classification (germline): Uncertain significance (1 of 4 stars; one submission).

Conditions:
Cardiovascular phenotype. Identifiers: MedGen CN230736.

Submission:

Ambry Genetics
Classification: Uncertain significance for Cardiovascular phenotype. Last evaluated: 2026-03-17. Review status: criteria provided, single submitter. Criteria: Ambry Variant Classification Scheme 2023. Collection method: clinical testing. Allele origin: germline.
Comment: The c.430-7_430-5delCTTinsTTC intronic variant begins 5 nucleotides before coding exon 5 in the RIT1 gene and results in a deletion of 3 nucleotides and the insertion of 3 nucleotides at nucleotide positions c.430-5 to c.430-7. These nucleotide positions are well conserved in available vertebrate species. In silico splice site analysis predicts that this alteration will not have any significant effect on splicing. Based on the available evidence, the clinical significance of this variant remains unclear.

NM_006912.6(RIT1):c.430-7_430-5delinsTTC

Gene: RIT1 (Ras like without CAAX 1; minus strand). Cytogenetic location: 1q22.
Variant type: Indel.
Coding change: c.430-7_430-5delinsTTC on transcript NM_006912.6 (MANE Select); 7 bases into the intron before coding-DNA position 430 through 5 bases into the intron before coding-DNA position 430, CTT replaced by TTC.
Molecular consequence: intron variant.
Genome position (GRCh38, 1-based): chr1:155,900,623-155,900,625, AAG replaced by GAA on the plus strand (CTT replaced by TTC on the coding strand, the reverse complement: RIT1 is on the minus strand). VCF-style: chr1-155900623-AAG-GAA. GRCh37 (hg19) VCF-style: chr1-155870414-AAG-GAA.
Other names: c.322-7_322-5delinsTTC (NM_001256820.2); c.481-7_481-5delinsTTC (NM_001256821.2).
Identifiers: ClinVar variation 4863355 (VCV004863355.1).